The following is an entry in ClinVar:

NM_000503.6(EYA1):c.1276G>A (p.Gly426Ser)

Gene: EYA1 (EYA transcriptional coactivator and phosphatase 1; minus strand). Cytogenetic location: 8q13.3.
Variant type: single nucleotide variant.
Coding change: c.1276G>A on transcript NM_000503.6 (MANE Select); coding-DNA position 1276, G replaced by A.
Protein change: p.Gly426Ser; replaces glycine 426 with serine.
Molecular consequence: missense variant.
Genome position (GRCh38, 1-based): chr8:71,216,776, C>T on the plus strand (G>A on the coding strand, the complement: EYA1 is on the minus strand). VCF-style: chr8-71216776-C-T. GRCh37 (hg19) VCF-style: chr8-72129011-C-T.
Other names: G393S; c.1258G>A, p.Gly420Ser (NM_001288574.2, NM_172059.5); c.910G>A, p.Gly304Ser (NM_001288575.2); c.1363G>A, p.Gly455Ser (NM_001370333.1); c.1276G>A, p.Gly426Ser (NM_001370334.1, NM_001370335.1, NM_172058.4); c.1255G>A, p.Gly419Ser (NM_001370336.1); short protein forms G426S, G304S, G455S, G419S, G420S.
Identifiers: ClinVar variation 7938 (VCV000007938.17), dbSNP rs121909199, ClinGen allele CA119167.

ClinVar aggregate classification (germline): Conflicting classifications of pathogenicity. Review status: criteria provided, conflicting classifications (1 of 4 stars). 8 submissions from 7 submitters: Uncertain significance (3); Likely benign (3). 2 of the submissions do not count toward it. Last evaluated 2026-01-05.

Conditions:
Inborn genetic diseases. Identifiers: MedGen C0950123, MeSH D030342.
Melnick-Fraser syndrome (BOR). Also called: Branchio-oto-renal syndrome; Branchiootorenal syndrome; Branchiootorenal Syndrome (BORS). Identifiers: Orphanet 107, MedGen C0265234, MONDO:0007029.
Branchiootorenal syndrome with cataract. Identifiers: MedGen C4016752.
Otofaciocervical syndrome 1 (OTFCS). Identifiers: MedGen C3714941, MONDO:0024532, OMIM 166780.
Branchiootorenal syndrome 1. Also called: Branchio-Oto-Renal Syndrome 1. Identifiers: Orphanet 107, MedGen C4551702, MONDO:0007236, OMIM 113650.
Branchiootic syndrome 1 (BOS1). Also called: BO SYNDROME 1; BRANCHIOOTIC DYSPLASIA. Identifiers: MedGen C1865143, MONDO:0011258, OMIM 602588.

Allele frequency attached by ClinVar (database versions not stated): gnomAD 0.00001 and 0.00003; gnomAD exomes 0.00004 and 0.00014; TOPMed 0.00006; ExAC 0.00014.
gnomAD v4.1: 66 of 1,614,130 alleles (0.0041%); highest among the groups gnomAD compares: East Asian, 0.13%; no homozygotes.

Submissions (8):

Labcorp Genetics (formerly Invitae), Labcorp
Classification: Likely benign for Melnick-Fraser syndrome. Last evaluated: 2026-01-05. Review status: criteria provided, single submitter. Criteria: Invitae Variant Classification Sherloc (09022015). Collection method: clinical testing. Allele origin: germline.

GeneDx
Classification: Uncertain significance. Last evaluated: 2024-08-13. Review status: criteria provided, single submitter. Criteria: GeneDx Variant Classification Process June 2021. Collection method: clinical testing. Allele origin: germline. Affected: yes.
Comment: Functional studies for this variant disagree on its effect; some indicate G426S or equivalent homologs reduce transcription level, affect optic development, and reduce interaction with Sox2, while others indicate G426S does not differ from wild-type (PMID: 15802522, 19951260, 18678597, 11950062, 24489909); In silico analysis supports that this missense variant has a deleterious effect on protein structure/function; This variant is associated with the following publications: (PMID: 29043394, 16797546, 11734542, 23435380, 22340499, 24752894, 18678597, 19951260, 11950062, 24489909, 15802522, 35114279, 30221713, 38224868, 34868248, 34515852, 37479820, 37167448, 39125727, 10655545)

Ambry Genetics
Classification: Uncertain significance for Inborn genetic diseases. Last evaluated: 2024-05-22. Review status: criteria provided, single submitter. Criteria: Ambry Variant Classification Scheme 2023. Collection method: clinical testing. Allele origin: germline.

Laboratory for Molecular Medicine, Mass General Brigham Personalized Medicine
Classification: Uncertain significance. Last evaluated: 2017-09-25. Review status: criteria provided, single submitter. Criteria: LMM Criteria. Collection method: clinical testing. Allele origin: germline. Observed: 1 variant allele.
Comment: Variant classified as Uncertain Significance - Favor Pathogenic. This variant has also been identified in 0.18% (33/188 60) of East Asian chromosomes by the Genome Aggregation Database (gnomAD; dbSNP rs121909199); however this frequency is not hi gh enough to rule out a pathogenic role. The variant is also listed in ClinVar ( Variant ID 22977). Computational prediction tools and conservation analysis sugg est the variant may impact the protein. However, several in vitro functional stu dies provide conflicting data on the impact of the variant to normal protein fun ction (Buller 2001, Mutsuddi 2005, Rayapureddi 2006, Zou 2008, Li 2010, Ahmed 20 12, Patrick 2013, Musharraf 2014). It should be noted that in vitro studies may not accurately reflect biological function. In summary, while there is some sus picion for a pathogenic role, the clinical significance of the p.Gly426Ser varia nt is uncertain.

Illumina Laboratory Services, Illumina
Classification: Likely benign for Otofaciocervical syndrome 1. Last evaluated: 2017-04-28. Review status: criteria provided, single submitter. Criteria: ICSL Variant Classification Criteria 13 December 2019. Collection method: clinical testing. Allele origin: germline.
Comment: This variant was observed as part of a predisposition screen in an ostensibly healthy population. A literature search was performed for the gene, cDNA change, and amino acid change (where applicable). No publications were found based on this search. Allele frequency data from public databases allowed determination this variant is unlikely to cause disease. Therefore, this variant is classified as likely benign.

Illumina Laboratory Services, Illumina
Classification: Likely benign for Branchiootic syndrome. Last evaluated: 2017-04-28. Review status: criteria provided, single submitter. Criteria: ICSL Variant Classification Criteria 13 December 2019. Collection method: clinical testing. Allele origin: germline.
Comment: This variant was observed as part of a predisposition screen in an ostensibly healthy population. A literature search was performed for the gene, cDNA change, and amino acid change (where applicable). Publications were found based on this search. The evidence from the literature, in combination with allele frequency data from public databases where available, was sufficient to determine this variant is unlikely to cause disease. Therefore, this variant is classified as likely benign.

Pediatric Nephrology (Iijima Lab), Kobe University Graduate School of Medicine
Classification: Benign for Branchiootorenal syndrome 1. Last evaluated: 2017-07-27. Review status: no assertion criteria provided. Collection method: clinical testing. Allele origin: germline. Inheritance: Autosomal dominant inheritance. Affected: no. Observed: 1 variant allele, 1 heterozygote. Not counted in ClinVar's aggregate classification.
Comment: Two cases without BOR syndrome possessed this variant. We conclude this is benign.

OMIM
Classification: Pathogenic for BRANCHIOOTORENAL SYNDROME WITH CATARACT. Last evaluated: 2000-02-12. Review status: no assertion criteria provided. Collection method: literature only. Allele origin: germline. Not counted in ClinVar's aggregate classification.

Literature cited by the submitters: PubMed 19951260 (cited by Laboratory for Molecular Medicine, Mass General Brigham Personalized Medicine and Illumina Laboratory Services, Illumina); PubMed 23435380 (cited by Laboratory for Molecular Medicine, Mass General Brigham Personalized Medicine); PubMed 11734542 (cited by Laboratory for Molecular Medicine, Mass General Brigham Personalized Medicine and Illumina Laboratory Services, Illumina); PubMed 15802522 (cited by Laboratory for Molecular Medicine, Mass General Brigham Personalized Medicine and Illumina Laboratory Services, Illumina); PubMed 16797546 (cited by Laboratory for Molecular Medicine, Mass General Brigham Personalized Medicine); PubMed 18678597 (cited by Laboratory for Molecular Medicine, Mass General Brigham Personalized Medicine); PubMed 10655545 (cited by 3 submitters); PubMed 24489909 (cited by Laboratory for Molecular Medicine, Mass General Brigham Personalized Medicine); PubMed 22340499 (cited by Laboratory for Molecular Medicine, Mass General Brigham Personalized Medicine).